The following is an entry in ClinVar:

NM_182961.4(SYNE1):c.22733G>T (p.Trp7578Leu)

Gene: SYNE1 (spectrin repeat containing nuclear envelope protein 1; minus strand). Cytogenetic location: 6q25.2.
Variant type: single nucleotide variant.
Coding change: c.22733G>T on transcript NM_182961.4 (MANE Select); coding-DNA position 22733, G replaced by T.
Protein change: p.Trp7578Leu; replaces tryptophan 7578 with leucine.
Molecular consequence: missense variant.
Genome position (GRCh38, 1-based): chr6:152,208,063, C>A on the plus strand (G>T on the coding strand, the complement: SYNE1 is on the minus strand). VCF-style: chr6-152208063-C-A. GRCh37 (hg19) VCF-style: chr6-152529198-C-A.
Other names: c.22520G>T, p.Trp7507Leu (NM_033071.5); short protein forms W7578L, W7507L.
Identifiers: ClinVar variation 1395620 (VCV001395620.8), dbSNP rs1215390720, ClinGen allele CA366096039.

ClinVar aggregate classification (germline): Uncertain significance (1 of 4 stars; one submission).

Conditions:
Emery-Dreifuss muscular dystrophy 4, autosomal dominant (EDMD4). Also called: EMERY-DREIFUSS MUSCULAR DYSTROPHY 4 WITH VARIABLE FEATURES. Identifiers: Orphanet 261, MedGen C2751807, MONDO:0013071, OMIM 612998.
Autosomal recessive ataxia, Beauce type. Also called: SYNE1-Related Autosomal Recessive Cerebellar Ataxia; Spinocerebellar ataxia, autosomal recessive 8; ATAXIA, RECESSIVE, OF BEAUCE; SYNE1 Deficiency. Identifiers: Orphanet 88644, MedGen C1853116, MONDO:0012549, OMIM 610743.

Allele frequency attached by ClinVar (database versions not stated): gnomAD exomes below 0.00001; TOPMed below 0.00001; gnomAD 0.00001.
gnomAD v4.1: 4 of 1,613,988 alleles (0.00025%); highest among the groups gnomAD compares: African/African-American, 0.0053%; no homozygotes.

Submission:

Labcorp Genetics (formerly Invitae), Labcorp
Classification: Uncertain significance for Emery-Dreifuss muscular dystrophy 4, autosomal dominant; Autosomal recessive ataxia, Beauce type. Last evaluated: 2023-02-28. Review status: criteria provided, single submitter. Criteria: Invitae Variant Classification Sherloc (09022015). Collection method: clinical testing. Allele origin: germline.
Comment: An algorithm developed to predict the effect of missense changes on protein structure and function (PolyPhen-2) suggests that this variant is likely to be disruptive. ClinVar contains an entry for this variant (Variation ID: 1395620). This variant has not been reported in the literature in individuals affected with SYNE1-related conditions. This variant is present in population databases (no rsID available, gnomAD 0.008%). This sequence change replaces tryptophan, which is neutral and slightly polar, with leucine, which is neutral and non-polar, at codon 7507 of the SYNE1 protein (p.Trp7507Leu). In summary, the available evidence is currently insufficient to determine the role of this variant in disease. Therefore, it has been classified as a Variant of Uncertain Significance.